The following is an entry in ClinVar:

ClinVar aggregate classification (germline): Likely benign (0 of 4 stars; one submission).

Conditions:
FNDC3A-related disorder. Also called: FNDC3A-related condition.

Allele frequency attached by ClinVar (database versions not stated): gnomAD exomes 0.00001; ExAC 0.00002; gnomAD 0.00007; ESP Exome Variant Server 0.00008; 1000 Genomes Project 30x 0.00016; 1000 Genomes Project 0.00020.
gnomAD v4.1: 26 of 1,600,572 alleles (0.0016%); highest among the groups gnomAD compares: African/African-American, 0.025%; no homozygotes.

Submission:

PreventionGenetics, part of Exact Sciences
Classification: Likely benign for FNDC3A-related condition. Last evaluated: 2019-04-04. Review status: no assertion criteria provided. Collection method: clinical testing. Allele origin: germline.
Comment: This variant is classified as likely benign based on ACMG/AMP sequence variant interpretation guidelines (Richards et al. 2015 PMID: 25741868, with internal and published modifications).

NM_001079673.2(FNDC3A):c.1221A>G (p.Glu407=)

Gene: FNDC3A (fibronectin type III domain containing 3A; plus strand). Cytogenetic location: 13q14.2.
Variant type: single nucleotide variant.
Coding change: c.1221A>G on transcript NM_001079673.2 (MANE Select); coding-DNA position 1221, A replaced by G.
Protein change: p.Glu407=; no amino-acid change (glutamic acid 407 retained).
Molecular consequence: synonymous variant. On other transcripts: non-coding transcript variant (1).
Genome position (GRCh38, 1-based): chr13:49,172,087, A>G. VCF-style: chr13-49172087-A-G. GRCh37 (hg19) VCF-style: chr13-49746223-A-G.
Other names: c.1221A>G, p.Glu407= (NM_001278438.2); c.1053A>G, p.Glu351= (NM_014923.5).
Identifiers: ClinVar variation 3046826 (VCV003046826.2), dbSNP rs373292254, ClinGen allele CA6980009.
Genomic context (GRCh38, chr13:49,172,087, plus strand): 5'-TTGGTGTTGGTTTTAGGCACCTAGTGACAATGGTTCTAAAATCCAAAACTTTGTATTAGA[A>G]TGGGATGAAGTAAGTAAATTGAATCTTTTTAAATGGTTAACATTATGTGCATATGTTCAG-3'
Protein context (NP_001073141.1, residues 397-417): NGSKIQNFVL[Glu407=]WDEGKGNGEF